The following is an entry in ClinVar:

NM_001750.7(CAST):c.879+10A>G

Gene: CAST (calpastatin; plus strand). Cytogenetic location: 5q15.
Variant type: single nucleotide variant.
Coding change: c.879+10A>G on transcript NM_001750.7 (MANE Select); 10 bases into the intron after coding-DNA position 879, A replaced by G.
Molecular consequence: intron variant.
Genome position (GRCh38, 1-based): chr5:96,740,128, A>G. VCF-style: chr5-96740128-A-G. GRCh37 (hg19) VCF-style: chr5-96075832-A-G.
Other names: c.564+10A>G (NM_001423254.1, NM_001423259.1, NM_001423253.1 and 7 more transcripts); c.630+10A>G (NM_001423250.1, NM_001423251.1, NM_001423252.1 and 3 more transcripts); c.507+10A>G (NM_001423260.1, NM_001042444.3, NM_001284212.4 and 2 more transcripts); c.822+10A>G (NM_001042441.3, NM_001330626.2); c.813+10A>G (NM_001042442.3); c.756+10A>G (NM_001042440.5, NM_001330627.2); c.834+10A>G (NM_001330629.2); c.768+10A>G (NM_001375317.1); and 3 more.
Identifiers: ClinVar variation 3052139 (VCV003052139.2), dbSNP rs200992534, ClinGen allele CA3350997.

ClinVar aggregate classification (germline): Likely benign (0 of 4 stars; one submission).

Conditions:
CAST-related disorder. Also called: CAST-related condition.

Allele frequency attached by ClinVar (database versions not stated): gnomAD 0.00002; gnomAD exomes 0.00003; ExAC 0.00005; TOPMed 0.00005.
gnomAD v4.1: 40 of 1,215,216 alleles (0.0033%); highest among the groups gnomAD compares: African/African-American, 0.011%; no homozygotes.

Submission:

PreventionGenetics, part of Exact Sciences
Classification: Likely benign for CAST-related condition. Last evaluated: 2020-03-23. Review status: no assertion criteria provided. Collection method: clinical testing. Allele origin: germline.
Comment: This variant is classified as likely benign based on ACMG/AMP sequence variant interpretation guidelines (Richards et al. 2015 PMID: 25741868, with internal and published modifications).